The following is an entry in ClinVar:

ClinVar aggregate classification (germline): Likely benign (0 of 4 stars; one submission).

Conditions:
BCAM-related disorder. Also called: BCAM-related condition.

Allele frequency attached by ClinVar (database versions not stated): gnomAD exomes 0.00025; ExAC 0.00078; gnomAD 0.00276; 1000 Genomes Project 0.00280; ESP Exome Variant Server 0.00284; TOPMed 0.00312; 1000 Genomes Project 30x 0.00328.
gnomAD v4.1: 803 of 1,613,936 alleles (0.05%); highest among the groups gnomAD compares: African/African-American, 0.94%; 4 homozygotes.

Submission:

PreventionGenetics, part of Exact Sciences
Classification: Likely benign for BCAM-related condition. Last evaluated: 2019-06-18. Review status: no assertion criteria provided. Collection method: clinical testing. Allele origin: germline.
Comment: This variant is classified as likely benign based on ACMG/AMP sequence variant interpretation guidelines (Richards et al. 2015 PMID: 25741868, with internal and published modifications).

NM_005581.5(BCAM):c.1351A>C (p.Lys451Gln)

Gene: BCAM (basal cell adhesion molecule (Lutheran blood group); plus strand). Cytogenetic location: 19q13.32.
Variant type: single nucleotide variant.
Coding change: c.1351A>C on transcript NM_005581.5 (MANE Select); coding-DNA position 1351, A replaced by C.
Protein change: p.Lys451Gln; replaces lysine 451 with glutamine.
Molecular consequence: missense variant.
Genome position (GRCh38, 1-based): chr19:44,819,070, A>C. VCF-style: chr19-44819070-A-C. GRCh37 (hg19) VCF-style: chr19-45322327-A-C.
Other names: c.1351A>C, p.Lys451Gln (NM_001013257.2); short protein forms K451Q.
Identifiers: ClinVar variation 3034205 (VCV003034205.2), dbSNP rs28399630, ClinGen allele CA9504774.